The following is an entry in ClinVar:

NM_000059.4(BRCA2):c.5379T>A (p.Asn1793Lys)

Gene: BRCA2 (BRCA2 DNA repair associated; plus strand). Cytogenetic location: 13q13.1.
Variant type: single nucleotide variant.
Coding change: c.5379T>A on transcript NM_000059.4 (MANE Select); coding-DNA position 5379, T replaced by A.
Protein change: p.Asn1793Lys; replaces asparagine 1793 with lysine.
Molecular consequence: missense variant. On other transcripts: non-coding transcript variant (1), intron variant (2).
Genome position (GRCh38, 1-based): chr13:32,339,734, T>A. VCF-style: chr13-32339734-T-A. GRCh37 (hg19) VCF-style: chr13-32913871-T-A.
Other names: c.5379T>A, p.Asn1793Lys (NM_001406719.1, NM_001406720.1, NM_001432077.1); c.1910-4824T>A (NM_001406721.1); c.425-4824T>A (NM_001406722.1); short protein forms N1793K.
Identifiers: ClinVar variation 3992877 (VCV003992877.1).

ClinVar aggregate classification (germline): Uncertain significance (1 of 4 stars; one submission).

Conditions:
Hereditary cancer-predisposing syndrome. Also called: Tumor predisposition; Hereditary neoplastic syndrome; Neoplastic Syndromes, Hereditary; Hereditary Cancer Syndrome. Identifiers: Orphanet 140162, MedGen C0027672, MeSH D009386, MONDO:0015356.

Submission:

Ambry Genetics
Classification: Uncertain significance for Hereditary cancer-predisposing syndrome. Last evaluated: 2025-06-10. Review status: criteria provided, single submitter. Criteria: Ambry Variant Classification Scheme 2023. Collection method: clinical testing. Allele origin: germline.
Comment: The p.N1793K variant (also known as c.5379T>A), located in coding exon 10 of the BRCA2 gene, results from a T to A substitution at nucleotide position 5379. The asparagine at codon 1793 is replaced by lysine, an amino acid with similar properties. This amino acid position is conserved. In addition, this alteration is predicted to be tolerated by in silico analysis. Based on the available evidence, the clinical significance of this variant remains unclear.